The following is an entry in ClinVar:

NM_000428.3(LTBP2):c.4955G>A (p.Arg1652Gln)

Gene: LTBP2 (latent transforming growth factor beta binding protein 2; minus strand). Cytogenetic location: 14q24.3.
Variant type: single nucleotide variant.
Coding change: c.4955G>A on transcript NM_000428.3 (MANE Select); coding-DNA position 4955, G replaced by A.
Protein change: p.Arg1652Gln; replaces arginine 1652 with glutamine.
Molecular consequence: missense variant.
Genome position (GRCh38, 1-based): chr14:74,502,868, C>T on the plus strand (G>A on the coding strand, the complement: LTBP2 is on the minus strand). VCF-style: chr14-74502868-C-T. GRCh37 (hg19) VCF-style: chr14-74969571-C-T.
Other names: short protein forms R1652Q.
Identifiers: ClinVar variation 1723680 (VCV001723680.2), dbSNP rs773510546, ClinGen allele CA7268566.
Genomic context (GRCh38, chr14:74,502,868, plus strand): 5'-TCTGGGCCATAGATGCTGTAGTGCAGGTCATCGGGCCCGGGGCCATACTCATAGCCTGGC[C>T]GGAAGTGGACCCCGGCCTCCCGCTCTGCCTCAATGCGAGCCACGTTGCACAGCTGAGCAT-3'
Protein context (NP_000419.1, residues 1642-1662): EAEREAGVHF[Arg1652Gln]PGYEYGPGPD

ClinVar aggregate classification (germline): Uncertain significance (1 of 4 stars; one submission).

Allele frequency attached by ClinVar (database versions not stated): ExAC 0.00001; gnomAD 0.00001.
gnomAD v4.1: 20 of 1,613,710 alleles (0.0012%); highest among the groups gnomAD compares: Middle Eastern, 0.017%; no homozygotes.

Submission:

GeneDx
Classification: Uncertain significance. Last evaluated: 2022-05-09. Review status: criteria provided, single submitter. Criteria: GeneDx Variant Classification Process June 2021. Collection method: clinical testing. Allele origin: germline. Affected: yes.
Comment: In silico analysis supports that this missense variant does not alter protein structure/function; Has not been previously published as pathogenic or benign to our knowledge